The following is an entry in ClinVar:

NM_006206.6(PDGFRA):c.1334T>C (p.Ile445Thr)

Gene: PDGFRA (platelet derived growth factor receptor alpha; plus strand). Cytogenetic location: 4q12.
Variant type: single nucleotide variant.
Coding change: c.1334T>C on transcript NM_006206.6 (MANE Select); coding-DNA position 1334, T replaced by C.
Protein change: p.Ile445Thr; replaces isoleucine 445 with threonine.
Molecular consequence: missense variant.
Genome position (GRCh38, 1-based): chr4:54,272,490, T>C. VCF-style: chr4-54272490-T-C. GRCh37 (hg19) VCF-style: chr4-55138657-T-C.
Other names: c.1334T>C, p.Ile445Thr (NM_001347827.2, NM_001347829.2); c.1409T>C, p.Ile470Thr (NM_001347828.2); c.1373T>C, p.Ile458Thr (NM_001347830.2); c.1334T>C (NM_006206.4); short protein forms I445T, I458T, I470T.
Identifiers: ClinVar variation 1361496 (VCV001361496.8), dbSNP rs2110287393, ClinGen allele CA356892326.
Genomic context (GRCh38, chr4:54,272,490, plus strand): 5'-ATGGCTCAACTGGGGGACAGACGGTGAGGTGCACAGCTGAAGGCACGCCGCTTCCTGATA[T>C]TGAGTGGATGATATGCAAAGATATTAAGAAGTATGGAAAACAGATGTGTCTTCTTCTTTC-3'
Protein context (NP_006197.1, residues 435-455): CTAEGTPLPD[Ile445Thr]EWMICKDIKK

ClinVar aggregate classification (germline): Uncertain significance. Review status: criteria provided, multiple submitters, no conflicts (2 of 4 stars). 2 submissions from 2 submitters: Uncertain significance (2). Last evaluated 2025-10-30.

Conditions:
Gastrointestinal stromal tumor. Also called: Gastrointestinal stroma tumor; Gastrointestinal stromal tumor, somatic. Identifiers: Orphanet 44890, MedGen C0238198, MeSH D046152, MONDO:0011719, OMIM 606764, HP:0100723.
Hereditary cancer-predisposing syndrome. Also called: Tumor predisposition; Hereditary Cancer Syndrome; Hereditary neoplastic syndrome; Neoplastic Syndromes, Hereditary. Identifiers: Orphanet 140162, MedGen C0027672, MeSH D009386, MONDO:0015356.

Allele frequency attached by ClinVar (database versions not stated): gnomAD exomes below 0.00001.
gnomAD v4.1: 3 of 1,614,048 alleles (0.00019%); highest among the groups gnomAD compares: Non-Finnish European, 0.00025%; no homozygotes.

Submissions (2):

Ambry Genetics
Classification: Uncertain significance for Hereditary cancer-predisposing syndrome. Last evaluated: 2025-10-30. Review status: criteria provided, single submitter. Criteria: Ambry Variant Classification Scheme 2023. Collection method: clinical testing. Allele origin: germline.
Comment: The p.I445T variant (also known as c.1334T>C), located in coding exon 8 of the PDGFRA gene, results from a T to C substitution at nucleotide position 1334. The isoleucine at codon 445 is replaced by threonine, an amino acid with similar properties. This amino acid position is conserved. In addition, the in silico prediction for this alteration is inconclusive. Since supporting evidence is limited at this time, the clinical significance of this alteration remains unclear.

Labcorp Genetics (formerly Invitae), Labcorp
Classification: Uncertain significance for Gastrointestinal stromal tumor. Last evaluated: 2021-04-10. Review status: criteria provided, single submitter. Criteria: Invitae Variant Classification Sherloc (09022015). Collection method: clinical testing. Allele origin: germline.
Comment: In summary, the available evidence is currently insufficient to determine the role of this variant in disease. Therefore, it has been classified as a Variant of Uncertain Significance. Algorithms developed to predict the effect of missense changes on protein structure and function are either unavailable or do not agree on the potential impact of this missense change (SIFT: "Deleterious"; PolyPhen-2: "Benign"; Align-GVGD: "Class C25"). This variant has not been reported in the literature in individuals with PDGFRA-related conditions. This variant is not present in population databases (ExAC no frequency). This sequence change replaces isoleucine with threonine at codon 445 of the PDGFRA protein (p.Ile445Thr). The isoleucine residue is moderately conserved and there is a moderate physicochemical difference between isoleucine and threonine.